The following is an entry in ClinVar:

ClinVar aggregate classification (germline): Uncertain significance (1 of 4 stars; one submission).

Conditions:
Primary ciliary dyskinesia. Also called: Ciliary dyskinesia. Identifiers: Orphanet 244, MedGen C0008780, MONDO:0016575, HP:0012265.

gnomAD v4.1: 3 of 1,608,514 alleles (0.00019%); highest among the groups gnomAD compares: Admixed American, 0.0017%; no homozygotes.

Submission:

Labcorp Genetics (formerly Invitae), Labcorp
Classification: Uncertain significance for Primary ciliary dyskinesia. Last evaluated: 2024-11-02. Review status: criteria provided, single submitter. Criteria: Invitae Variant Classification Sherloc (09022015). Collection method: clinical testing. Allele origin: germline.
Comment: This sequence change replaces glycine, which is neutral and non-polar, with glutamic acid, which is acidic and polar, at codon 1192 of the DNAH8 protein (p.Gly1192Glu). This variant is present in population databases (rs756385686, gnomAD 0.0009%). This variant has not been reported in the literature in individuals affected with DNAH8-related conditions. Experimental studies and prediction algorithms are not available or were not evaluated, and the functional significance of this variant is currently unknown. In summary, the available evidence is currently insufficient to determine the role of this variant in disease. Therefore, it has been classified as a Variant of Uncertain Significance.

NM_001206927.2(DNAH8):c.3575G>A (p.Gly1192Glu)

Gene: DNAH8 (dynein axonemal heavy chain 8; plus strand). Cytogenetic location: 6p21.2.
Variant type: single nucleotide variant.
Coding change: c.3575G>A on transcript NM_001206927.2 (MANE Select); coding-DNA position 3575, G replaced by A.
Protein change: p.Gly1192Glu; replaces glycine 1192 with glutamic acid.
Molecular consequence: missense variant.
Genome position (GRCh38, 1-based): chr6:38,822,889, G>A. VCF-style: chr6-38822889-G-A. GRCh37 (hg19) VCF-style: chr6-38790665-G-A.
Other names: c.2924G>A, p.Gly975Glu (NM_001371.4); short protein forms G1192E, G975E.
Identifiers: ClinVar variation 3634257 (VCV003634257.2).